The following is an entry in ClinVar:

NM_001844.5(COL2A1):c.11T>C (p.Leu4Pro)

Gene: COL2A1 (collagen type II alpha 1 chain; minus strand). Cytogenetic location: 12q13.11.
Variant type: single nucleotide variant.
Coding change: c.11T>C on transcript NM_001844.5 (MANE Select); coding-DNA position 11, T replaced by C.
Protein change: p.Leu4Pro; replaces leucine 4 with proline.
Molecular consequence: missense variant.
Genome position (GRCh38, 1-based): chr12:48,004,311, A>G on the plus strand (T>C on the coding strand, the complement: COL2A1 is on the minus strand). VCF-style: chr12-48004311-A-G. GRCh37 (hg19) VCF-style: chr12-48398094-A-G.
Other names: c.11T>C, p.Leu4Pro (NM_033150.3); short protein forms L4P.
Identifiers: ClinVar variation 965942 (VCV000965942.10), dbSNP rs1335702587, ClinGen allele CA384528450.

ClinVar aggregate classification (germline): Uncertain significance. Review status: criteria provided, multiple submitters, no conflicts (2 of 4 stars). 2 submissions from 2 submitters: Uncertain significance (2). Last evaluated 2025-02-03.

Conditions:
COL2A1-related disorder. Also called: COL2A1-related condition; COL2A1-related disorders.

Allele frequency attached by ClinVar (database versions not stated): TOPMed below 0.00001.

Submissions (2):

PreventionGenetics, part of Exact Sciences
Classification: Uncertain significance for COL2A1-related condition. Last evaluated: 2025-02-03. Review status: criteria provided, single submitter. Criteria: ACMG Guidelines, 2015. Collection method: clinical testing. Allele origin: germline.
Comment: The COL2A1 c.11T>C variant is predicted to result in the amino acid substitution p.Leu4Pro. To our knowledge, this variant has not been reported in the literature or in a large population database (gnomAD), indicating this variant is rare. At this time, the clinical significance of this variant is uncertain due to the absence of conclusive functional and genetic evidence.

Labcorp Genetics (formerly Invitae), Labcorp
Classification: Uncertain significance. Last evaluated: 2020-07-10. Review status: criteria provided, single submitter. Criteria: Invitae Variant Classification Sherloc (09022015). Collection method: clinical testing. Allele origin: germline.
Comment: Algorithms developed to predict the effect of missense changes on protein structure and function are either unavailable or do not agree on the potential impact of this missense change (SIFT: "Deleterious"; PolyPhen-2: "Benign"; Align-GVGD: "Class C0"). In summary, the available evidence is currently insufficient to determine the role of this variant in disease. Therefore, it has been classified as a Variant of Uncertain Significance. This variant has not been reported in the literature in individuals with COL2A1-related conditions. This variant is not present in population databases (ExAC no frequency). This sequence change replaces leucine with proline at codon 4 of the COL2A1 protein (p.Leu4Pro). The leucine residue is moderately conserved and there is a moderate physicochemical difference between leucine and proline.